The following is an entry in ClinVar:

ClinVar aggregate classification (germline): Uncertain significance (1 of 4 stars; one submission).

Submission:

GeneDx
Classification: Uncertain significance. Last evaluated: 2024-01-04. Review status: criteria provided, single submitter. Criteria: GeneDx Variant Classification Process June 2021. Collection method: clinical testing. Allele origin: germline. Affected: yes.
Comment: Not observed at significant frequency in large population cohorts (gnomAD); In silico analysis supports that this missense variant has a deleterious effect on protein structure/function; Has not been previously published as pathogenic or benign to our knowledge

NM_002715.4(PPP2CA):c.130A>G (p.Asn44Asp)

Gene: PPP2CA (protein phosphatase 2 catalytic subunit alpha; minus strand). Cytogenetic location: 5q31.1.
Variant type: single nucleotide variant.
Coding change: c.130A>G on transcript NM_002715.4 (MANE Select); coding-DNA position 130, A replaced by G.
Protein change: p.Asn44Asp; replaces asparagine 44 with aspartic acid.
Molecular consequence: missense variant. On other transcripts: 5 prime UTR variant (1), non-coding transcript variant (1).
Genome position (GRCh38, 1-based): chr5:134,206,104, T>C on the plus strand (A>G on the coding strand, the complement: PPP2CA is on the minus strand). VCF-style: chr5-134206104-T-C. GRCh37 (hg19) VCF-style: chr5-133541795-T-C.
Other names: c.-66A>G (NM_001355019.2); short protein forms N44D.
Identifiers: ClinVar variation 3367467 (VCV003367467.1).